The following is an entry in ClinVar:

ClinVar aggregate classification (germline): Pathogenic (1 of 4 stars; one submission).

Submission:

Labcorp Genetics (formerly Invitae), Labcorp
Classification: Pathogenic. Last evaluated: 2021-01-11. Review status: criteria provided, single submitter. Criteria: Invitae Variant Classification Sherloc (09022015). Collection method: clinical testing. Allele origin: germline.
Comment: This variant has not been reported in the literature in individuals with EYS-related conditions. This variant is not present in population databases (ExAC no frequency). For these reasons, this variant has been classified as Pathogenic. This sequence change creates a premature translational stop signal (p.Val496Leufs*19) in the EYS gene. It is expected to result in an absent or disrupted protein product. Loss-of-function variants in EYS are known to be pathogenic (PMID: 18836446, 20333770).

Literature cited by the submitters: PubMed 18836446; PubMed 20333770.

NM_001142800.2(EYS):c.1486del (p.Val496fs)

Gene: EYS (EGF-like photoreceptor maintenance factor; minus strand). Cytogenetic location: 6q12.
Variant type: Deletion.
Coding change: c.1486del on transcript NM_001142800.2 (MANE Select); coding-DNA position 1486, one base deleted (G; older notation c.1486delG).
Protein change: p.Val496fs; shifts the reading frame from valine 496.
Molecular consequence: frameshift variant.
Genome position (GRCh38, 1-based): chr6:65,344,151, C deleted on the plus strand (G on the coding strand, the reverse complement: EYS is on the minus strand); the first of 4 consecutive C bases (chr6:65,344,151-65,344,154); deleting any one gives the same sequence. VCF-style (leftmost placement, unchanged base first): chr6-65344150-AC-A. GRCh37 (hg19) VCF-style: chr6-66054043-AC-A.
Other names: c.1486del, p.Val496fs (NM_001142801.2, NM_001292009.2, NM_198283.2); short protein forms V496fs.
Identifiers: ClinVar variation 1407872 (VCV001407872.6), dbSNP rs2150320007, ClinGen allele CA2573141040.